The following is an entry in ClinVar:

NM_024700.4(SNIP1):c.161C>T (p.Ser54Phe)

Genes: SNIP1 (Smad nuclear interacting protein 1; minus strand), LOC129930156 (ATAC-STARR-seq lymphoblastoid silent region 673; plus strand). Cytogenetic location: 1p34.3.
Variant type: single nucleotide variant.
Coding change: c.161C>T on transcript NM_024700.4 (MANE Select); coding-DNA position 161, C replaced by T.
Protein change: p.Ser54Phe; replaces serine 54 with phenylalanine.
Molecular consequence: missense variant.
Genome position (GRCh38, 1-based): chr1:37,554,069, G>A on the plus strand (C>T on the coding strand, the complement: SNIP1 is on the minus strand). VCF-style: chr1-37554069-G-A. GRCh37 (hg19) VCF-style: chr1-38019670-G-A.
Other names: short protein forms S54F.
Identifiers: ClinVar variation 1476189 (VCV001476189.8), dbSNP rs2148118853, ClinGen allele CA339429867.

ClinVar aggregate classification (germline): Uncertain significance (1 of 4 stars; one submission).

gnomAD v4.1: 3 of 1,601,080 alleles (0.00019%); highest among the groups gnomAD compares: Non-Finnish European, 0.00026%; no homozygotes.

Submission:

Labcorp Genetics (formerly Invitae), Labcorp
Classification: Uncertain significance. Last evaluated: 2021-01-13. Review status: criteria provided, single submitter. Criteria: Invitae Variant Classification Sherloc (09022015). Collection method: clinical testing. Allele origin: germline.
Comment: Algorithms developed to predict the effect of missense changes on protein structure and function are either unavailable or do not agree on the potential impact of this missense change (SIFT: "Deleterious"; PolyPhen-2: "Possibly Damaging"; Align-GVGD: "Class C0"). This variant has not been reported in the literature in individuals with SNIP1-related conditions. This variant is not present in population databases (ExAC no frequency). This sequence change replaces serine with phenylalanine at codon 54 of the SNIP1 protein (p.Ser54Phe). The serine residue is weakly conserved and there is a large physicochemical difference between serine and phenylalanine. In summary, the available evidence is currently insufficient to determine the role of this variant in disease. Therefore, it has been classified as a Variant of Uncertain Significance.